The following is an entry in ClinVar:

ClinVar aggregate classification (germline): Pathogenic (1 of 4 stars; one submission).

Conditions:
Hereditary cancer-predisposing syndrome. Also called: Tumor predisposition; Hereditary Cancer Syndrome; Neoplastic Syndromes, Hereditary; Hereditary neoplastic syndrome. Identifiers: Orphanet 140162, MedGen C0027672, MeSH D009386, MONDO:0015356.

Submission:

Labcorp Genetics (formerly Invitae), Labcorp
Classification: Pathogenic for Hereditary cancer-predisposing syndrome. Last evaluated: 2021-12-23. Review status: criteria provided, single submitter. Criteria: Invitae Variant Classification Sherloc (09022015). Collection method: clinical testing. Allele origin: germline.
Comment: This sequence change creates a premature translational stop signal (p.His530*) in the RAD50 gene. It is expected to result in an absent or disrupted protein product. Loss-of-function variants in RAD50 are known to be pathogenic (PMID: 19409520). This variant is not present in population databases (gnomAD no frequency). This variant has not been reported in the literature in individuals affected with RAD50-related conditions. For these reasons, this variant has been classified as Pathogenic.

Literature cited by the submitters: PubMed 19409520.

NM_005732.4(RAD50):c.1588_1595delinsT (p.Asn529_His530insTer)

Gene: RAD50 (RAD50 double strand break repair protein; plus strand). Cytogenetic location: 5q31.1.
Variant type: Indel.
Coding change: c.1588_1595delinsT on transcript NM_005732.4 (MANE Select); coding-DNA positions 1588 to 1595, CATCATAC replaced by T.
Protein change: p.Asn529_His530insTer.
Molecular consequence: nonsense.
Genome position (GRCh38, 1-based): chr5:132,591,359-132,591,366, CATCATAC replaced by T. VCF-style: chr5-132591359-CATCATAC-T. GRCh37 (hg19) VCF-style: chr5-131927051-CATCATAC-T.
Identifiers: ClinVar variation 2055186 (VCV002055186.4), dbSNP rs2479641659, ClinGen allele CA2580072726.